The following is an entry in ClinVar:

NM_004700.4(KCNQ4):c.860G>T (p.Gly287Val)

Gene: KCNQ4 (potassium voltage-gated channel subfamily Q member 4; plus strand). Cytogenetic location: 1p34.2.
Variant type: single nucleotide variant.
Coding change: c.860G>T on transcript NM_004700.4 (MANE Select); coding-DNA position 860, G replaced by T.
Protein change: p.Gly287Val; replaces glycine 287 with valine.
Molecular consequence: missense variant.
Genome position (GRCh38, 1-based): chr1:40,819,900, G>T. VCF-style: chr1-40819900-G-T. GRCh37 (hg19) VCF-style: chr1-41285572-G-T.
Other names: c.860G>T, p.Gly287Val (NM_172163.3); short protein forms G287V.
Identifiers: ClinVar variation 1304285 (VCV001304285.5), dbSNP rs2148320011, ClinGen allele CA339895872.
Genomic context (GRCh38, chr1:40,819,900, plus strand): 5'-GACCAGTCCTGCCTGTAACCTGTTTGTGTCTCCAGATTACATTGACAACCATCGGCTATG[G>T]TGACAAGACACCGCACACATGGCTGGGCAGGGTCCTGGCTGCTGGCTTCGCCTTACTGGG-3'
Protein context (NP_004691.2, residues 277-297): GTITLTTIGY[Gly287Val]DKTPHTWLGR

ClinVar aggregate classification (germline): Conflicting classifications of pathogenicity. Review status: criteria provided, conflicting classifications (1 of 4 stars). 2 submissions from 2 submitters: Likely pathogenic (1); Uncertain significance (1). Last evaluated 2023-10-16.

Submissions (2):

Labcorp Genetics (formerly Invitae), Labcorp
Classification: Likely pathogenic. Last evaluated: 2023-10-16. Review status: criteria provided, single submitter. Criteria: Invitae Variant Classification Sherloc (09022015). Collection method: clinical testing. Allele origin: germline.
Comment: This sequence change replaces glycine, which is neutral and non-polar, with valine, which is neutral and non-polar, at codon 287 of the KCNQ4 protein (p.Gly287Val). This variant is not present in population databases (gnomAD no frequency). This variant has not been reported in the literature in individuals affected with KCNQ4-related conditions. ClinVar contains an entry for this variant (Variation ID: 1304285). Advanced modeling of protein sequence and biophysical properties (such as structural, functional, and spatial information, amino acid conservation, physicochemical variation, residue mobility, and thermodynamic stability) performed at Invitae indicates that this missense variant is expected to disrupt KCNQ4 protein function. This variant disrupts the p.Gly287 amino acid residue in KCNQ4. Other variant(s) that disrupt this residue have been determined to be pathogenic (PMID: 21242547). This suggests that this residue is clinically significant, and that variants that disrupt this residue are likely to be disease-causing. In summary, the currently available evidence indicates that the variant is pathogenic, but additional data are needed to prove that conclusively. Therefore, this variant has been classified as Likely Pathogenic.

GeneDx
Classification: Uncertain significance. Last evaluated: 2020-06-29. Review status: criteria provided, single submitter. Criteria: GeneDx Variant Classification Process June 2021. Collection method: clinical testing. Allele origin: germline. Affected: yes.
Comment: Not observed in large population cohorts (Lek et al., 2016); In silico analysis supports that this missense variant has a deleterious effect on protein structure/function; Has not been previously published as pathogenic or benign to our knowledge

Literature cited by the submitters: PubMed 21242547 (cited by Labcorp Genetics (formerly Invitae), Labcorp).